The following is an entry in ClinVar:

ClinVar aggregate classification (germline): Uncertain significance (1 of 4 stars; one submission).

Submission:

CeGaT Center for Human Genetics Tuebingen
Classification: Uncertain significance. Last evaluated: 2025-01-01. Review status: criteria provided, single submitter. Criteria: CeGaT Center For Human Genetics Tuebingen Variant Classification Criteria Version 2. Collection method: clinical testing. Allele origin: germline. Affected: yes. Observed: 1 variant allele.
Comment: ZEB2: PM2, PP2

NM_014795.4(ZEB2):c.571G>A (p.Ala191Thr)

Genes: ZEB2 (zinc finger E-box binding homeobox 2; minus strand), LOC111721705 (skeletal muscle cis-regulatory module overlapping ZEB2; plus strand). Cytogenetic location: 2q22.3.
Variant type: single nucleotide variant.
Coding change: c.571G>A on transcript NM_014795.4 (MANE Select); coding-DNA position 571, G replaced by A.
Protein change: p.Ala191Thr; replaces alanine 191 with threonine.
Molecular consequence: missense variant.
Genome position (GRCh38, 1-based): chr2:144,404,857, C>T on the plus strand (G>A on the coding strand, the complement: ZEB2 is on the minus strand). VCF-style: chr2-144404857-C-T. GRCh37 (hg19) VCF-style: chr2-145162424-C-T.
Other names: c.499G>A, p.Ala167Thr (NM_001171653.2); short protein forms A167T, A191T.
Identifiers: ClinVar variation 3771814 (VCV003771814.13).